The following is an entry in ClinVar:

NM_000365.6(TPI1):c.-31C>T

Gene: TPI1 (triosephosphate isomerase 1; plus strand). Cytogenetic location: 12p13.31.
Variant type: single nucleotide variant.
Coding change: c.-31C>T on transcript NM_000365.6 (MANE Select); 31 bases upstream of the start codon, C replaced by T.
Molecular consequence: 5 prime UTR variant. On other transcripts: synonymous variant (1).
Genome position (GRCh38, 1-based): chr12:6,867,536, C>T. VCF-style: chr12-6867536-C-T. GRCh37 (hg19) VCF-style: chr12-6976700-C-T.
Other names: c.81C>T, p.Asp27= (NM_001159287.1).
Identifiers: ClinVar variation 883746 (VCV000883746.4), dbSNP rs200692430, ClinGen allele CA6418762.

ClinVar aggregate classification (germline): Likely benign (1 of 4 stars; one submission).

Conditions:
Triosephosphate isomerase deficiency (TPID). Also called: Triose phosphate isomerase deficiency. Identifiers: Orphanet 868, MedGen C1860808, MONDO:0014221, OMIM 615512.

Allele frequency attached by ClinVar (database versions not stated): gnomAD 0.00076; ESP Exome Variant Server 0.00077; TOPMed 0.00094; 1000 Genomes Project 0.00140; 1000 Genomes Project 30x 0.00219.

Submission:

Illumina Laboratory Services, Illumina
Classification: Likely benign for Triosephosphate isomerase deficiency. Last evaluated: 2018-01-12. Review status: criteria provided, single submitter. Criteria: ICSL Variant Classification Criteria 13 December 2019. Collection method: clinical testing. Allele origin: germline.
Comment: This variant was observed in the ICSL laboratory as part of a predisposition screen in an ostensibly healthy population. It had not been previously curated by ICSL or reported in the Human Gene Mutation Database (HGMD: prior to June 1st, 2018), and was therefore a candidate for classification through an automated scoring system. Utilizing variant allele frequency, disease prevalence and penetrance estimates, and inheritance mode, an automated score was calculated to assess if this variant is too frequent to cause the disease. Based on the score and internal cut-off values, a variant classified as likely benign is not then subjected to further curation. The score for this variant resulted in a classification of likely benign for this disease.